The following is an entry in ClinVar:

ClinVar aggregate classification (germline): Conflicting classifications of pathogenicity. Review status: criteria provided, conflicting classifications (1 of 4 stars). 2 submissions from 2 submitters: Uncertain significance (1); Likely benign (1). Last evaluated 2025-04-09.

Allele frequency attached by ClinVar (database versions not stated): gnomAD exomes 0.00001; TOPMed 0.00001.
gnomAD v4.1: 20 of 1,583,896 alleles (0.0013%); highest among the groups gnomAD compares: Middle Eastern, 0.017%; no homozygotes.

Submissions (2):

Molecular Diagnostic Laboratory for Inherited Cardiovascular Disease, Montreal Heart Institute
Classification: Likely benign. Last evaluated: 2025-04-09. Review status: criteria provided, single submitter. Criteria: ACMG Guidelines, 2015. Collection method: clinical testing. Allele origin: germline. Affected: no.
Comment: BP1

Revvity Omics, Revvity
Classification: Uncertain significance. Last evaluated: 2021-09-02. Review status: criteria provided, single submitter. Criteria: ACMG Guidelines, 2015. Collection method: clinical testing. Allele origin: germline.

NM_001267550.2(TTN):c.14950G>A (p.Val4984Met)

Gene: TTN (titin; minus strand). Cytogenetic location: 2q31.2.
Variant type: single nucleotide variant.
Coding change: c.14950G>A on transcript NM_001267550.2 (MANE Select); coding-DNA position 14950, G replaced by A.
Protein change: p.Val4984Met; replaces valine 4984 with methionine.
Molecular consequence: missense variant. On other transcripts: intron variant (3).
Genome position (GRCh38, 1-based): chr2:178,734,974, C>T on the plus strand (G>A on the coding strand, the complement: TTN is on the minus strand). VCF-style: chr2-178734974-C-T. GRCh37 (hg19) VCF-style: chr2-179599701-C-T.
Other names: c.13999G>A, p.Val4667Met (NM_001256850.1); c.11218G>A, p.Val3740Met (NM_133378.4); c.13282+3108G>A (NM_003319.4); c.13858+3108G>A (NM_133437.4); c.13657+3108G>A (NM_133432.3); short protein forms V3740M, V4667M, V4984M.
Identifiers: ClinVar variation 2437942 (VCV002437942.4), dbSNP rs903648091, ClinGen allele CA60981603.